The following is an entry in ClinVar:

ClinVar aggregate classification (germline): Uncertain significance. Review status: criteria provided, multiple submitters, no conflicts (2 of 4 stars). 4 submissions from 4 submitters: Uncertain significance (4). Last evaluated 2025-05-08.

Conditions:
Short-rib thoracic dysplasia 10 with or without polydactyly (SRTD10). Identifiers: Orphanet 474, MedGen C3810175, MONDO:0014284, OMIM 615630.
Retinitis pigmentosa 71 (RP71). Identifiers: Orphanet 791, MedGen C4225342, MONDO:0014618, OMIM 616394.
IFT172-related disorder. Also called: IFT172-related disorders; IFT172-related condition.

Allele frequency attached by ClinVar (database versions not stated): gnomAD 0.00001; gnomAD exomes 0.00001; TOPMed 0.00002.
gnomAD v4.1: 14 of 1,614,082 alleles (0.00087%); highest among the groups gnomAD compares: African/African-American, 0.004%; no homozygotes.

Submissions (4):

PreventionGenetics, part of Exact Sciences
Classification: Uncertain significance for IFT172-related condition. Last evaluated: 2025-05-08. Review status: criteria provided, single submitter. Criteria: ACMG Guidelines, 2015. Collection method: clinical testing. Allele origin: germline.
Comment: The IFT172 c.4697G>A variant is predicted to result in the amino acid substitution p.Arg1566His. To our knowledge, this variant has not been reported in the literature. This variant is reported in 0.0040% of alleles in individuals of African descent in gnomAD. At this time, the clinical significance of this variant is uncertain due to the absence of conclusive functional and genetic evidence.

Women's Health and Genetics/Laboratory Corporation of America, LabCorp
Classification: Uncertain significance. Last evaluated: 2024-11-25. Review status: criteria provided, single submitter. Criteria: LabCorp Variant Classification Summary - May 2015. Collection method: clinical testing. Allele origin: germline.
Comment: Variant summary: IFT172 c.4697G>A (p.Arg1566His) results in a non-conservative amino acid change in the encoded protein sequence. Five of five in-silico tools predict a damaging effect of the variant on protein function. The variant allele was found at a frequency of 8e-06 in 251488 control chromosomes. The available data on variant occurrences in the general population are insufficient to allow any conclusion about variant significance. To our knowledge, no occurrence of c.4697G>A in individuals affected with IFT172-Related Disorders and no experimental evidence demonstrating its impact on protein function have been reported. ClinVar contains an entry for this variant (Variation ID: 2149932). Based on the evidence outlined above, the variant was classified as uncertain significance.

Labcorp Genetics (formerly Invitae), Labcorp
Classification: Uncertain significance for Retinitis pigmentosa 71; Short-rib thoracic dysplasia 10 with or without polydactyly. Last evaluated: 2024-04-03. Review status: criteria provided, single submitter. Criteria: Invitae Variant Classification Sherloc (09022015). Collection method: clinical testing. Allele origin: germline.
Comment: This sequence change replaces arginine, which is basic and polar, with histidine, which is basic and polar, at codon 1566 of the IFT172 protein (p.Arg1566His). This variant is present in population databases (no rsID available, gnomAD 0.004%). This variant has not been reported in the literature in individuals affected with IFT172-related conditions. ClinVar contains an entry for this variant (Variation ID: 2149932). Advanced modeling of protein sequence and biophysical properties (such as structural, functional, and spatial information, amino acid conservation, physicochemical variation, residue mobility, and thermodynamic stability) performed at Invitae indicates that this missense variant is expected to disrupt IFT172 protein function with a positive predictive value of 80%. In summary, the available evidence is currently insufficient to determine the role of this variant in disease. Therefore, it has been classified as a Variant of Uncertain Significance.

Blueprint Genetics
Classification: Uncertain significance. Last evaluated: 2021-06-16. Review status: criteria provided, single submitter. Criteria: ACMG Guidelines, 2015. Collection method: clinical testing. Allele origin: germline.

NM_015662.3(IFT172):c.4697G>A (p.Arg1566His)

Genes: IFT172 (intraflagellar transport 172; minus strand), KRTCAP3 (keratinocyte associated protein 3; plus strand). Cytogenetic location: 2p23.3.
Variant type: single nucleotide variant.
Coding change: c.4697G>A on transcript NM_015662.3 (MANE Select); coding-DNA position 4697, G replaced by A.
Protein change: p.Arg1566His; replaces arginine 1566 with histidine.
Molecular consequence: missense variant. On other transcripts: 3 prime UTR variant (1).
Genome position (GRCh38, 1-based): chr2:27,446,318, C>T on the plus strand (G>A on the coding strand, the complement: IFT172 is on the minus strand). VCF-style: chr2-27446318-C-T. GRCh37 (hg19) VCF-style: chr2-27669185-C-T.
Other names: c.4697G>A (NM_015662.2); c.*23C>T (NM_001168364.2); c.4631G>A, p.Arg1544His (NM_001410739.1); short protein forms R1566H, R1544H.
Identifiers: ClinVar variation 2149932 (VCV002149932.6), dbSNP rs915032282, ClinGen allele CA44516412.
Genomic context (GRCh38, chr2:27,446,318, plus strand): 5'-ACCTTGGCAGCAATGCCTGCTTCATAGAAGGCTTTGTCTACAGGTAGTAGCTGGGTGTGA[C>T]GCAAGAGTGAAACAGAAAGCCTGGCAGCCACGGTTTCCTGGGATTAAAGTCAAAGCATTA-3'
Protein context (NP_056477.1, residues 1556-1576): VAARLSVSLL[Arg1566His]HTQLLPVDKA